The following is an entry in ClinVar:

ClinVar aggregate classification (germline): Uncertain significance. Review status: criteria provided, multiple submitters, no conflicts (2 of 4 stars). 2 submissions from 2 submitters: Uncertain significance (2). Last evaluated 2024-02-24.

Conditions:
Tumoral calcinosis, hyperphosphatemic, familial, 3. Identifiers: MedGen C4693864, MONDO:0060715, OMIM 617994.

Allele frequency attached by ClinVar (database versions not stated): gnomAD exomes 0.00006; TOPMed 0.00007; gnomAD 0.00008 and 0.00009; ExAC 0.00009; ESP Exome Variant Server 0.00023.
gnomAD v4.1: 268 of 1,614,036 alleles (0.017%); highest among the groups gnomAD compares: Non-Finnish European, 0.022%; no homozygotes.

Submissions (2):

Labcorp Genetics (formerly Invitae), Labcorp
Classification: Uncertain significance. Last evaluated: 2024-02-24. Review status: criteria provided, single submitter. Criteria: Invitae Variant Classification Sherloc (09022015). Collection method: clinical testing. Allele origin: germline.
Comment: This sequence change replaces serine, which is neutral and polar, with phenylalanine, which is neutral and non-polar, at codon 319 of the KL protein (p.Ser319Phe). This variant is present in population databases (rs138955761, gnomAD 0.02%). This variant has not been reported in the literature in individuals affected with KL-related conditions. ClinVar contains an entry for this variant (Variation ID: 311688). Advanced modeling of protein sequence and biophysical properties (such as structural, functional, and spatial information, amino acid conservation, physicochemical variation, residue mobility, and thermodynamic stability) performed at Invitae indicates that this missense variant is expected to disrupt KL protein function with a positive predictive value of 80%. In summary, the available evidence is currently insufficient to determine the role of this variant in disease. Therefore, it has been classified as a Variant of Uncertain Significance.

Illumina Laboratory Services, Illumina
Classification: Uncertain significance for Tumoral calcinosis, hyperphosphatemic, familial, 3. Last evaluated: 2018-01-13. Review status: criteria provided, single submitter. Criteria: ICSL Variant Classification Criteria 13 December 2019. Collection method: clinical testing. Allele origin: germline.

NM_004795.4(KL):c.956C>T (p.Ser319Phe)

Gene: KL (klotho; plus strand). Cytogenetic location: 13q13.1.
Variant type: single nucleotide variant.
Coding change: c.956C>T on transcript NM_004795.4 (MANE Select); coding-DNA position 956, C replaced by T.
Protein change: p.Ser319Phe; replaces serine 319 with phenylalanine.
Molecular consequence: missense variant.
Genome position (GRCh38, 1-based): chr13:33,053,903, C>T. VCF-style: chr13-33053903-C-T. GRCh37 (hg19) VCF-style: chr13-33628040-C-T.
Other names: short protein forms S319F.
Identifiers: ClinVar variation 311688 (VCV000311688.8), dbSNP rs138955761, ClinGen allele CA6944006.
Genomic context (GRCh38, chr13:33,053,903, plus strand): 5'-GCTCTCACTGGATCAATCCTCGAAGAATGACCGACCACAGCATCAAAGAATGTCAAAAAT[C>T]TCTGGACTTTGTACTAGGTTGGTTTGCCAAACCCGTATTTATTGATGGTGACTATCCCGA-3'
Protein context (NP_004786.2, residues 309-329): TDHSIKECQK[Ser319Phe]LDFVLGWFAK